The following is an entry in ClinVar:

ClinVar aggregate classification (germline): Uncertain significance (0 of 4 stars; one submission).

Submission:

Department of Pathology and Laboratory Medicine, Sinai Health System
Classification: Uncertain significance. Review status: no assertion criteria provided. Collection method: clinical testing. Allele origin: unknown. Affected: yes. Study: The Canadian Open Genetics Repository (COGR).
Comment: The TMEM67 p.Glu923del variant was not identified in the literature nor was it identified in dbSNP, ClinVar or in the following control databases: the 1000 Genomes Project, the NHLBI GO Exome Sequencing Project, or the Genome Aggregation Database (March 6, 2019, v2.1.1). This variant is an in-frame deletion resulting in the removal of a glutamic acid (glu) residue at codon 923; the impact of this alteration on TMEM67 protein function is not known. In summary, based on the above information the clinical significance of this variant cannot be determined with certainty at this time. This variant is classified as a variant of uncertain significance.

NM_153704.6(TMEM67):c.2768_2770del (p.Glu923del)

Gene: TMEM67 (transmembrane protein 67; plus strand). Cytogenetic location: 8q22.1.
Variant type: Deletion.
Coding change: c.2768_2770del on transcript NM_153704.6 (MANE Select); coding-DNA positions 2768 to 2770, 3 bases deleted (AAG; older notation c.2768_2770delAAG).
Protein change: p.Glu923del; deletes glutamic acid 923.
Molecular consequence: inframe deletion. On other transcripts: non-coding transcript variant (1).
Genome position (GRCh38, 1-based): chr8:93,815,308-93,815,310, AAG deleted; deleting any 3 consecutive bases within chr8:93,815,307-93,815,310 gives the same sequence; the c. name uses the placement nearest the transcript's 3' end. VCF-style (leftmost placement, unchanged base first): chr8-93815306-TGAA-T. GRCh37 (hg19) VCF-style: chr8-94827534-TGAA-T.
Other names: c.2525_2527del, p.Glu842del (NM_001142301.1); short protein forms E842del, E923del.
Identifiers: ClinVar variation 1049102 (VCV001049102.1), dbSNP rs2130799481, ClinGen allele CA2499219452.